The following is an entry in ClinVar:

ClinVar aggregate classification (germline): Uncertain significance (1 of 4 stars; one submission).

Submission:

Ambry Genetics
Classification: Uncertain significance. Last evaluated: 2025-07-18. Review status: criteria provided, single submitter. Criteria: Ambry Variant Classification Scheme 2023. Collection method: clinical testing. Allele origin: germline.
Comment: The p.E1596V variant (also known as c.4787A>T), located in coding exon 19 of the WNK2 gene, results from an A to T substitution at nucleotide position 4787. The glutamic acid at codon 1596 is replaced by valine, an amino acid with dissimilar properties. This amino acid position is conserved. In addition, this alteration is predicted to be tolerated by in silico analysis. Based on the available evidence, the clinical significance of this variant remains unclear.

NM_006648.4(WNK2):c.4787A>T (p.Glu1596Val)

Gene: WNK2 (WNK lysine deficient protein kinase 2; plus strand). Cytogenetic location: 9q22.31.
Variant type: single nucleotide variant.
Coding change: c.4787A>T on transcript NM_006648.4 (MANE Select); coding-DNA position 4787, A replaced by T.
Protein change: p.Glu1596Val; replaces glutamic acid 1596 with valine.
Molecular consequence: missense variant.
Genome position (GRCh38, 1-based): chr9:93,289,541, A>T. VCF-style: chr9-93289541-A-T. GRCh37 (hg19) VCF-style: chr9-96051823-A-T.
Other names: c.4898A>T, p.Glu1633Val (NM_001282394.3); short protein forms E1633V, E1596V.
Identifiers: ClinVar variation 4201639 (VCV004201639.1).